The following is an entry in ClinVar:

ClinVar aggregate classification (germline): Uncertain significance (1 of 4 stars; one submission).

Conditions:
Inborn genetic diseases. Identifiers: MedGen C0950123, MeSH D030342.

Submission:

Ambry Genetics
Classification: Uncertain significance for Inborn genetic diseases. Last evaluated: 2026-07-06. Review status: criteria provided, single submitter. Criteria: Ambry Variant Classification Scheme 2023. Collection method: clinical testing. Allele origin: germline.
Comment: The p.I202F variant (also known as c.604A>T), located in coding exon 6 of the RPE65 gene, results from an A to T substitution at nucleotide position 604. The isoleucine at codon 202 is replaced by phenylalanine, an amino acid with highly similar properties. This amino acid position is conserved. In addition, the in silico prediction for this alteration is inconclusive. Based on the available evidence, the clinical significance of this variant remains unclear.

NM_000329.3(RPE65):c.604A>T (p.Ile202Phe)

Gene: RPE65 (retinoid isomerohydrolase RPE65; minus strand). Cytogenetic location: 1p31.3.
Variant type: single nucleotide variant.
Coding change: c.604A>T on transcript NM_000329.3 (MANE Select); coding-DNA position 604, A replaced by T.
Protein change: p.Ile202Phe; replaces isoleucine 202 with phenylalanine.
Molecular consequence: missense variant.
Genome position (GRCh38, 1-based): chr1:68,440,892, T>A on the plus strand (A>T on the coding strand, the complement: RPE65 is on the minus strand). VCF-style: chr1-68440892-T-A. GRCh37 (hg19) VCF-style: chr1-68906575-T-A.
Other names: c.496A>T, p.Ile166Phe (NM_001406853.1); c.328A>T, p.Ile110Phe (NM_001406856.1, NM_001406857.1); c.604A>T, p.Ile202Phe (NM_001406859.1); short protein forms I110F, I166F, I202F.
Identifiers: ClinVar variation 5028402 (VCV005028402.1).